The following is an entry in ClinVar:

NM_004380.3(CREBBP):c.2773_2778del (p.Gln925_Val926del)

Gene: CREBBP (CREB binding protein; minus strand). Cytogenetic location: 16p13.3.
Variant type: Deletion.
Coding change: c.2773_2778del on transcript NM_004380.3 (MANE Select); coding-DNA positions 2773 to 2778, 6 bases deleted (CAGGTG; older notation c.2773_2778delCAGGTG).
Protein change: p.Gln925_Val926del.
Molecular consequence: inframe deletion.
Genome position (GRCh38, 1-based): chr16:3,770,672-3,770,677, CACCTG deleted on the plus strand (CAGGTG on the coding strand, the reverse complement: CREBBP is on the minus strand). VCF-style (leftmost placement, unchanged base first): chr16-3770671-TCACCTG-T. GRCh37 (hg19) VCF-style: chr16-3820672-TCACCTG-T.
Other names: c.2659_2664del, p.Gln887_Val888del (NM_001079846.1).
Identifiers: ClinVar variation 2500660 (VCV002500660.1), dbSNP rs766944517, ClinGen allele CA7870040.

ClinVar aggregate classification (germline): Uncertain significance (1 of 4 stars; one submission).

Allele frequency attached by ClinVar (database versions not stated): gnomAD exomes below 0.00001; gnomAD 0.00001; ExAC 0.00002.

Submission:

GeneDx
Classification: Uncertain significance. Last evaluated: 2022-10-26. Review status: criteria provided, single submitter. Criteria: GeneDx Variant Classification Process June 2021. Collection method: clinical testing. Allele origin: germline. Affected: yes.
Comment: In-frame deletion of 2 amino acids in a non-repeat region; In silico analysis supports that this variant does not alter protein structure/function; Has not been previously published as pathogenic or benign to our knowledge